The following is an entry in ClinVar:

NM_021930.6(RINT1):c.2183A>T (p.Lys728Ile)

Genes: EFCAB10 (EF-hand calcium binding domain 10; minus strand), RINT1 (RAD50 interactor 1; plus strand). Cytogenetic location: 7q22.3.
Variant type: single nucleotide variant.
Coding change: c.2183A>T on transcript NM_021930.6 (MANE Select); coding-DNA position 2183, A replaced by T.
Protein change: p.Lys728Ile; replaces lysine 728 with isoleucine.
Molecular consequence: missense variant. On other transcripts: non-coding transcript variant (1), intron variant (3).
Genome position (GRCh38, 1-based): chr7:105,565,645, A>T. VCF-style: chr7-105565645-A-T. GRCh37 (hg19) VCF-style: chr7-105206092-A-T.
Other names: c.1949A>T, p.Lys650Ile (NM_001346599.2); c.1160A>T, p.Lys387Ile (NM_001346600.2, NM_001346603.2); c.1259A>T, p.Lys420Ile (NM_001346601.2); c.360-198T>A (NM_001355531.2); c.384-198T>A (NM_001355526.2); c.384-30T>A (NM_001355530.2); short protein forms K387I, K650I, K420I, K728I.
Identifiers: ClinVar variation 2112030 (VCV002112030.4), dbSNP rs2485187609, ClinGen allele CA368815328.

ClinVar aggregate classification (germline): Uncertain significance (1 of 4 stars; one submission).

Submission:

Labcorp Genetics (formerly Invitae), Labcorp
Classification: Uncertain significance. Last evaluated: 2022-03-14. Review status: criteria provided, single submitter. Criteria: Invitae Variant Classification Sherloc (09022015). Collection method: clinical testing. Allele origin: germline.
Comment: Algorithms developed to predict the effect of missense changes on protein structure and function are either unavailable or do not agree on the potential impact of this missense change (SIFT: "Deleterious"; PolyPhen-2: "Possibly Damaging"; Align-GVGD: "Class C0"). In summary, the available evidence is currently insufficient to determine the role of this variant in disease. Therefore, it has been classified as a Variant of Uncertain Significance. This variant has not been reported in the literature in individuals affected with RINT1-related conditions. This variant is not present in population databases (gnomAD no frequency). This sequence change replaces lysine, which is basic and polar, with isoleucine, which is neutral and non-polar, at codon 728 of the RINT1 protein (p.Lys728Ile).